The following is an entry in ClinVar:

ClinVar aggregate classification (germline): Uncertain significance (1 of 4 stars; one submission).

Submission:

Labcorp Genetics (formerly Invitae), Labcorp
Classification: Uncertain significance. Last evaluated: 2022-08-09. Review status: criteria provided, single submitter. Criteria: Invitae Variant Classification Sherloc (09022015). Collection method: clinical testing. Allele origin: germline.
Comment: This sequence change replaces asparagine, which is neutral and polar, with lysine, which is basic and polar, at codon 527 of the TFRC protein (p.Asn527Lys). This variant is not present in population databases (gnomAD no frequency). This variant has not been reported in the literature in individuals affected with TFRC-related conditions. ClinVar contains an entry for this variant (Variation ID: 1513068). Algorithms developed to predict the effect of missense changes on protein structure and function are either unavailable or do not agree on the potential impact of this missense change (SIFT: "Tolerated"; PolyPhen-2: "Probably Damaging"; Align-GVGD: "Class C0"). Algorithms developed to predict the effect of sequence changes on RNA splicing suggest that this variant may create or strengthen a splice site. In summary, the available evidence is currently insufficient to determine the role of this variant in disease. Therefore, it has been classified as a Variant of Uncertain Significance.

NM_001128148.3(TFRC):c.1581C>G (p.Asn527Lys)

Gene: TFRC (transferrin receptor; minus strand). Cytogenetic location: 3q29.
Variant type: single nucleotide variant.
Coding change: c.1581C>G on transcript NM_001128148.3 (MANE Select); coding-DNA position 1581, C replaced by G.
Protein change: p.Asn527Lys; replaces asparagine 527 with lysine.
Molecular consequence: missense variant.
Genome position (GRCh38, 1-based): chr3:196,058,588, G>C on the plus strand (C>G on the coding strand, the complement: TFRC is on the minus strand). VCF-style: chr3-196058588-G-C. GRCh37 (hg19) VCF-style: chr3-195785459-G-C.
Other names: c.1338C>G, p.Asn446Lys (NM_001313965.2); c.735C>G, p.Asn245Lys (NM_001313966.2); c.1581C>G, p.Asn527Lys (NM_003234.4); short protein forms N527K, N245K, N446K.
Identifiers: ClinVar variation 1513068 (VCV001513068.8), dbSNP rs1717014458, ClinGen allele CA355566708.